The following is an entry in ClinVar:

ClinVar aggregate classification (germline): Uncertain significance. Review status: criteria provided, single submitter (1 of 4 stars). 2 submissions from 2 submitters: Uncertain significance (1). 1 of the submissions does not count toward it. Last evaluated 2020-04-26.

Conditions:
DISP1-related Holoprosencephaly.
DISP1-related disorder. Also called: DISP1-related condition.

Allele frequency attached by ClinVar (database versions not stated): gnomAD 0.00001; TOPMed 0.00001.
gnomAD v4.1: 2 of 1,613,788 alleles (0.00012%); highest among the groups gnomAD compares: Admixed American, 0.0033%; no homozygotes.

Submissions (2):

New York Genome Center
Classification: Uncertain significance for DISP1-related Holoprosencephaly. Last evaluated: 2020-04-26. Review status: criteria provided, single submitter. Criteria: NYGC Assertion Criteria 2020. Collection method: clinical testing. Allele origin: germline. Observed: 1 heterozygote. Study: CSER-NYCKidSeq.

PreventionGenetics, part of Exact Sciences
Classification: Uncertain significance for DISP1-related condition. Last evaluated: 2024-06-19. Review status: no assertion criteria provided. Collection method: clinical testing. Allele origin: germline. Not counted in ClinVar's aggregate classification.
Comment: The DISP1 c.992G>C variant is predicted to result in the amino acid substitution p.Arg331Thr. To our knowledge, this variant has not been reported in the literature or in a large population database, indicating this variant is rare. At this time, the clinical significance of this variant is uncertain due to the absence of conclusive functional and genetic evidence.

NM_001377229.1(DISP1):c.992G>C (p.Arg331Thr)

Gene: DISP1 (dispatched RND transporter family member 1; plus strand). Cytogenetic location: 1q41.
Variant type: single nucleotide variant.
Coding change: c.992G>C on transcript NM_001377229.1 (MANE Select); coding-DNA position 992, G replaced by C.
Protein change: p.Arg331Thr; replaces arginine 331 with threonine.
Molecular consequence: missense variant.
Genome position (GRCh38, 1-based): chr1:223,002,389, G>C. VCF-style: chr1-223002389-G-C. GRCh37 (hg19) VCF-style: chr1-223175731-G-C.
Other names: c.263G>C, p.Arg88Thr (NM_001350630.2); c.992G>C, p.Arg331Thr (NM_001369594.1, NM_001377228.1, NM_032890.5); short protein forms R331T, R88T.
Identifiers: ClinVar variation 1325509 (VCV001325509.2), dbSNP rs1679522239, ClinGen allele CA344678229.